The following is an entry in ClinVar:

NM_031229.4(RBCK1):c.5A>G (p.Asp2Gly)

Gene: RBCK1 (RANBP2-type and C3HC4-type zinc finger containing 1; plus strand). Cytogenetic location: 20p13.
Variant type: single nucleotide variant.
Coding change: c.5A>G on transcript NM_031229.4 (MANE Select); coding-DNA position 5, A replaced by G.
Protein change: p.Asp2Gly; replaces aspartic acid 2 with glycine.
Molecular consequence: missense variant. On other transcripts: 5 prime UTR variant (2), synonymous variant (1), non-coding transcript variant (1).
Genome position (GRCh38, 1-based): chr20:408,762, A>G. VCF-style: chr20-408762-A-G. GRCh37 (hg19) VCF-style: chr20-389406-A-G.
Other names: p.Asp2Gly; c.-345A>G (NM_001323956.2); c.-200A>G (NM_001323958.2); c.5A>G, p.Asp2Gly (NM_001323960.2); c.24A>G, p.Gly8= (NM_006462.6); c.5A>G (NM_031229.3, NM_031229.2); short protein forms D2G.
Identifiers: ClinVar variation 659799 (VCV000659799.7), dbSNP rs763445513, ClinGen allele CA9722843.
Genomic context (GRCh38, chr20:408,762, plus strand): 5'-GTAGCATTTCCCAGGAGGCACGGTCCCCCCCAGGGGGATGGGCACAGCCACGCCAGATGG[A>G]CGAGAAGACCAAGAAAGGTGGGCACAGGCTGGAGGTGGCTGGGGAACTTCCGGTGGGAAG-3'
Protein context (NP_112506.2, residues 1-12): M[Asp2Gly]EKTKKAEEMA

ClinVar aggregate classification (germline): Uncertain significance. Review status: criteria provided, multiple submitters, no conflicts (2 of 4 stars). 3 submissions from 3 submitters: Uncertain significance (3). Last evaluated 2025-05-04.

Conditions:
Inborn genetic diseases. Identifiers: MedGen C0950123, MeSH D030342.
Polyglucosan body myopathy type 1 (PGBM1). Also called: Polyglucosan body myopathy 1 with or without immunodeficiency; POLYGLUCOSAN BODY MYOPATHY WITHOUT IMMUNODEFICIENCY. Identifiers: Orphanet 329173, Orphanet 397937, MedGen C4014605, MONDO:0014389, OMIM 615895.

Allele frequency attached by ClinVar (database versions not stated): TOPMed 0.00005; gnomAD exomes 0.00006 and 0.00016; ExAC 0.00004; gnomAD 0.00005 and 0.00006.

Submissions (3):

Ambry Genetics
Classification: Uncertain significance for Inborn genetic diseases. Last evaluated: 2025-05-04. Review status: criteria provided, single submitter. Criteria: Ambry Variant Classification Scheme 2023. Collection method: clinical testing. Allele origin: germline.

Labcorp Genetics (formerly Invitae), Labcorp
Classification: Uncertain significance for Polyglucosan body myopathy type 1. Last evaluated: 2022-06-27. Review status: criteria provided, single submitter. Criteria: Invitae Variant Classification Sherloc (09022015). Collection method: clinical testing. Allele origin: germline.
Comment: This sequence change replaces aspartic acid, which is acidic and polar, with glycine, which is neutral and non-polar, at codon 2 of the RBCK1 protein (p.Asp2Gly). This variant is present in population databases (rs763445513, gnomAD 0.009%). This variant has not been reported in the literature in individuals affected with RBCK1-related conditions. ClinVar contains an entry for this variant (Variation ID: 659799). Algorithms developed to predict the effect of missense changes on protein structure and function are either unavailable or do not agree on the potential impact of this missense change (SIFT: "Not Available"; PolyPhen-2: "Benign"; Align-GVGD: "Not Available"). Algorithms developed to predict the effect of sequence changes on RNA splicing suggest that this variant may create or strengthen a splice site. In summary, the available evidence is currently insufficient to determine the role of this variant in disease. Therefore, it has been classified as a Variant of Uncertain Significance.

Mayo Clinic Laboratories, Mayo Clinic
Classification: Uncertain significance. Last evaluated: 2022-05-12. Review status: criteria provided, single submitter. Criteria: ACMG Guidelines, 2015. Collection method: clinical testing. Allele origin: germline. Observed: 1 variant allele.
Comment: BP4